The following is an entry in ClinVar:

NM_006506.5(RASA2):c.863+7G>T

Gene: RASA2 (RAS p21 protein activator 2; plus strand). Cytogenetic location: 3q23.
Variant type: single nucleotide variant.
Coding change: c.863+7G>T on transcript NM_006506.5 (MANE Select); 7 bases into the intron after coding-DNA position 863, G replaced by T.
Molecular consequence: intron variant.
Genome position (GRCh38, 1-based): chr3:141,560,002, G>T. VCF-style: chr3-141560002-G-T. GRCh37 (hg19) VCF-style: chr3-141278844-G-T.
Other names: c.863+7G>T (NM_001303245.3, NM_001303246.3).
Identifiers: ClinVar variation 1633084 (VCV001633084.32), dbSNP rs377279986, ClinGen allele CA2645337.

ClinVar aggregate classification (germline): Likely benign. Review status: criteria provided, multiple submitters, no conflicts (2 of 4 stars). 3 submissions from 3 submitters: Likely benign (3). Last evaluated 2026-01-14.

Allele frequency attached by ClinVar (database versions not stated): gnomAD 0.00010 and 0.00009; TOPMed 0.00010; ExAC 0.00002; gnomAD exomes 0.00002; ESP Exome Variant Server 0.00008.
gnomAD v4.1: 29 of 1,605,128 alleles (0.0018%); highest among the groups gnomAD compares: African/African-American, 0.035%; no homozygotes.

Submissions (3):

Labcorp Genetics (formerly Invitae), Labcorp
Classification: Likely benign. Last evaluated: 2026-01-14. Review status: criteria provided, single submitter. Criteria: Invitae Variant Classification Sherloc (09022015). Collection method: clinical testing. Allele origin: germline.

Blueprint Genetics
Classification: Likely benign. Last evaluated: 2024-11-21. Review status: criteria provided, single submitter. Criteria: ACMG Guidelines, 2015. Collection method: clinical testing. Allele origin: germline.

CeGaT Center for Human Genetics Tuebingen
Classification: Likely benign. Last evaluated: 2022-12-01. Review status: criteria provided, single submitter. Criteria: CeGaT Center For Human Genetics Tuebingen Variant Classification Criteria Version 2. Collection method: clinical testing. Allele origin: germline. Affected: yes. Observed: 1 variant allele.
Comment: RASA2: BP4